The following is an entry in ClinVar:

ClinVar aggregate classification (germline): Benign (0 of 4 stars; one submission).

Conditions:
PRDM6-related disorder. Also called: PRDM6-related condition.

Allele frequency attached by ClinVar (database versions not stated): ESP Exome Variant Server 0.09641; gnomAD 0.12285; TOPMed 0.12461; 1000 Genomes Project 30x 0.16943; ExAC 0.18496; 1000 Genomes Project 0.18510.
gnomAD v4.1: 198,331 of 1,534,514 alleles (13%); highest among the groups gnomAD compares: East Asian, 37%; 15,286 homozygotes.

Submission:

PreventionGenetics, part of Exact Sciences
Classification: Benign for PRDM6-related condition. Last evaluated: 2019-11-20. Review status: no assertion criteria provided. Collection method: clinical testing. Allele origin: germline.
Comment: This variant is classified as benign based on ACMG/AMP sequence variant interpretation guidelines (Richards et al. 2015 PMID: 25741868, with internal and published modifications).

NM_001136239.4(PRDM6):c.871G>A (p.Ala291Thr)

Gene: PRDM6 (PR/SET domain 6; plus strand). Cytogenetic location: 5q23.2.
Variant type: single nucleotide variant.
Coding change: c.871G>A on transcript NM_001136239.4 (MANE Select); coding-DNA position 871, G replaced by A.
Protein change: p.Ala291Thr; replaces alanine 291 with threonine.
Molecular consequence: missense variant.
Genome position (GRCh38, 1-based): chr5:123,099,932, G>A. VCF-style: chr5-123099932-G-A. GRCh37 (hg19) VCF-style: chr5-122435627-G-A.
Other names: short protein forms A291T.
Identifiers: ClinVar variation 3060035 (VCV003060035.2), dbSNP rs1008058, ClinGen allele CA3386387.
Genomic context (GRCh38, chr5:123,099,932, plus strand): 5'-GGCACCTGGATTGGACCTTTCCAAGGCGTGCTTCTGCCCCCAGAGAAGGTGCAGGCAGGC[G>A]CCGTGAGGAACACGCAGCATCTCTGGGAGGTAAGTGGCCGGCTGCACAGCGCCTCCCCAC-3'
Protein context (NP_001129711.1, residues 281-301): LLPPEKVQAG[Ala291Thr]VRNTQHLWEI